The following is an entry in ClinVar:

ClinVar aggregate classification (germline): Uncertain significance (1 of 4 stars; one submission).

Conditions:
Aicardi-Goutieres syndrome 2. Identifiers: Orphanet 51, MedGen C3489724, MONDO:0012429, OMIM 610181.

gnomAD v4.1: 2 of 1,613,458 alleles (0.00012%); highest among the groups gnomAD compares: Non-Finnish European, 0.00017%; no homozygotes.

Submission:

Labcorp Genetics (formerly Invitae), Labcorp
Classification: Uncertain significance for Aicardi-Goutieres syndrome 2. Last evaluated: 2025-07-14. Review status: criteria provided, single submitter. Criteria: Invitae Variant Classification Sherloc (09022015). Collection method: clinical testing. Allele origin: germline.
Comment: This sequence change replaces phenylalanine, which is neutral and non-polar, with leucine, which is neutral and non-polar, at codon 195 of the RNASEH2B protein (p.Phe195Leu). This variant is not present in population databases (gnomAD no frequency). This variant has not been reported in the literature in individuals affected with RNASEH2B-related conditions. Invitae Evidence Modeling of protein sequence and biophysical properties (such as structural, functional, and spatial information, amino acid conservation, physicochemical variation, residue mobility, and thermodynamic stability) has been performed for this missense variant. However, the output from this modeling did not meet the statistical confidence thresholds required to predict the impact of this variant on RNASEH2B protein function. In summary, the available evidence is currently insufficient to determine the role of this variant in disease. Therefore, it has been classified as a Variant of Uncertain Significance.

NM_024570.4(RNASEH2B):c.585C>G (p.Phe195Leu)

Gene: RNASEH2B (ribonuclease H2 subunit B; plus strand). Cytogenetic location: 13q14.3.
Variant type: single nucleotide variant.
Coding change: c.585C>G on transcript NM_024570.4 (MANE Select); coding-DNA position 585, C replaced by G.
Protein change: p.Phe195Leu; replaces phenylalanine 195 with leucine.
Molecular consequence: missense variant.
Genome position (GRCh38, 1-based): chr13:50,945,501, C>G. VCF-style: chr13-50945501-C-G. GRCh37 (hg19) VCF-style: chr13-51519637-C-G.
Other names: c.585C>G, p.Phe195Leu (NM_001142279.2, NM_001411023.1); short protein forms F195L.
Identifiers: ClinVar variation 4722063 (VCV004722063.1).